The following is an entry in ClinVar:

ClinVar aggregate classification (germline): Uncertain significance (1 of 4 stars; one submission).

Submission:

CeGaT Center for Human Genetics Tuebingen
Classification: Uncertain significance. Last evaluated: 2022-07-01. Review status: criteria provided, single submitter. Criteria: CeGaT Center For Human Genetics Tuebingen Variant Classification Criteria Version 2. Collection method: clinical testing. Allele origin: germline. Affected: yes. Observed: 1 variant allele.
Comment: DMD: PM2, BP4

NM_004006.3(DMD):c.4292A>G (p.Asn1431Ser)

Gene: DMD (dystrophin; minus strand). Cytogenetic location: Xp21.1.
Variant type: single nucleotide variant.
Coding change: c.4292A>G on transcript NM_004006.3 (MANE Select); coding-DNA position 4292, A replaced by G.
Protein change: p.Asn1431Ser; replaces asparagine 1431 with serine.
Molecular consequence: missense variant.
Genome position (GRCh38, 1-based): chrX:32,390,123, T>C on the plus strand (A>G on the coding strand, the complement: DMD is on the minus strand). VCF-style: chrX-32390123-T-C. GRCh37 (hg19) VCF-style: chrX-32408240-T-C.
Other names: c.3923A>G, p.Asn1308Ser (NM_004010.3); c.269A>G, p.Asn90Ser (NM_004011.4); c.260A>G, p.Asn87Ser (NM_004012.4); c.4268A>G, p.Asn1423Ser (NM_000109.4); c.4280A>G, p.Asn1427Ser (NM_004009.3); short protein forms N1308S, N1423S, N1427S, N1431S, N87S, N90S.
Identifiers: ClinVar variation 2660247 (VCV002660247.24), dbSNP rs2523134173, ClinGen allele CA412664047.